The following is an entry in ClinVar:

NM_001927.4(DES):c.932A>G (p.Asn311Ser)

Gene: DES (desmin; plus strand). Cytogenetic location: 2q35.
Variant type: single nucleotide variant.
Coding change: c.932A>G on transcript NM_001927.4 (MANE Select); coding-DNA position 932, A replaced by G.
Protein change: p.Asn311Ser; replaces asparagine 311 with serine.
Molecular consequence: missense variant. On other transcripts: intron variant (1).
Genome position (GRCh38, 1-based): chr2:219,420,862, A>G. VCF-style: chr2-219420862-A-G. GRCh37 (hg19) VCF-style: chr2-220285584-A-G.
Other names: c.929A>G, p.Asn310Ser (NM_001382708.1); c.932A>G, p.Asn311Ser (NM_001382710.1, NM_001382711.1, NM_001382712.1); c.662A>G, p.Asn221Ser (NM_001382713.1); c.735+516A>G (NM_001382709.1); short protein forms N221S, N310S, N311S.
Identifiers: ClinVar variation 3752954 (VCV003752954.3).

ClinVar aggregate classification (germline): Uncertain significance. Review status: criteria provided, multiple submitters, no conflicts (2 of 4 stars). 2 submissions from 2 submitters: Uncertain significance (2). Last evaluated 2025-04-13.

Conditions:
Cardiovascular phenotype. Identifiers: MedGen CN230736.
Desmin-related myofibrillar myopathy (MFM1). Also called: Desminopathy; Desmin related myopathy (former name); Desmin storage myopathy (former name); MYOFIBRILLAR MYOPATHY WITH ARRHYTHMOGENIC RIGHT VENTRICULAR CARDIOMYOPATHY; DESMIN-RELATED MYOPATHY WITH ARRHYTHMOGENIC RIGHT VENTRICULAR CARDIOMYOPATHY; Myofibrillar myopathy 1. Identifiers: Orphanet 363543, Orphanet 98909, MedGen C1832370, MONDO:0011076, OMIM 601419.

gnomAD v4.1: 3 of 1,613,802 alleles (0.00019%); highest among the groups gnomAD compares: Non-Finnish European, 0.00025%; no homozygotes.

Submissions (2):

Ambry Genetics
Classification: Uncertain significance for Cardiovascular phenotype. Last evaluated: 2025-04-13. Review status: criteria provided, single submitter. Criteria: Ambry Variant Classification Scheme 2023. Collection method: clinical testing. Allele origin: germline.
Comment: The p.N311S variant (also known as c.932A>G), located in coding exon 5 of the DES gene, results from an A to G substitution at nucleotide position 932. The asparagine at codon 311 is replaced by serine, an amino acid with highly similar properties. This amino acid position is conserved. In addition, this alteration is predicted to be tolerated by in silico analysis. Based on the available evidence, the clinical significance of this variant remains unclear.

Labcorp Genetics (formerly Invitae), Labcorp
Classification: Uncertain significance for Desmin-related myofibrillar myopathy. Last evaluated: 2024-09-21. Review status: criteria provided, single submitter. Criteria: Invitae Variant Classification Sherloc (09022015). Collection method: clinical testing. Allele origin: germline.
Comment: This sequence change replaces asparagine, which is neutral and polar, with serine, which is neutral and polar, at codon 311 of the DES protein (p.Asn311Ser). This variant is not present in population databases (gnomAD no frequency). This variant has not been reported in the literature in individuals affected with DES-related conditions. Invitae Evidence Modeling of protein sequence and biophysical properties (such as structural, functional, and spatial information, amino acid conservation, physicochemical variation, residue mobility, and thermodynamic stability) has been performed for this missense variant. However, the output from this modeling did not meet the statistical confidence thresholds required to predict the impact of this variant on DES protein function. In summary, the available evidence is currently insufficient to determine the role of this variant in disease. Therefore, it has been classified as a Variant of Uncertain Significance.